The following is an entry in ClinVar:

ClinVar aggregate classification (germline): Uncertain significance. Review status: criteria provided, multiple submitters, no conflicts (2 of 4 stars). 2 submissions from 2 submitters: Uncertain significance (2). Last evaluated 2025-05-17.

Allele frequency attached by ClinVar (database versions not stated): gnomAD exomes 0.00001 and 0.00002; gnomAD 0.00002 and 0.00003; TOPMed 0.00003.
gnomAD v4.1: 36 of 1,593,618 alleles (0.0023%); highest among the groups gnomAD compares: South Asian, 0.011%; no homozygotes.

Submissions (2):

Ambry Genetics
Classification: Uncertain significance. Last evaluated: 2025-05-17. Review status: criteria provided, single submitter. Criteria: Ambry Variant Classification Scheme 2023. Collection method: clinical testing. Allele origin: germline.

Labcorp Genetics (formerly Invitae), Labcorp
Classification: Uncertain significance. Last evaluated: 2025-05-05. Review status: criteria provided, single submitter. Criteria: Invitae Variant Classification Sherloc (09022015). Collection method: clinical testing. Allele origin: germline.
Comment: This sequence change replaces asparagine, which is neutral and polar, with serine, which is neutral and polar, at codon 453 of the CCT2 protein (p.Asn453Ser). This variant is present in population databases (no rsID available, gnomAD 0.004%). This variant has not been reported in the literature in individuals affected with CCT2-related conditions. ClinVar contains an entry for this variant (Variation ID: 844733). An algorithm developed to predict the effect of missense changes on protein structure and function (PolyPhen-2) suggests that this variant is likely to be disruptive. In summary, the available evidence is currently insufficient to determine the role of this variant in disease. Therefore, it has been classified as a Variant of Uncertain Significance.

NM_006431.3(CCT2):c.1358A>G (p.Asn453Ser)

Gene: CCT2 (chaperonin containing TCP1 subunit 2; plus strand). Cytogenetic location: 12q15.
Variant type: single nucleotide variant.
Coding change: c.1358A>G on transcript NM_006431.3 (MANE Select); coding-DNA position 1358, A replaced by G.
Protein change: p.Asn453Ser; replaces asparagine 453 with serine.
Molecular consequence: missense variant.
Genome position (GRCh38, 1-based): chr12:69,598,344, A>G. VCF-style: chr12-69598344-A-G. GRCh37 (hg19) VCF-style: chr12-69992124-A-G.
Other names: c.1217A>G, p.Asn406Ser (NM_001198842.2); short protein forms N453S, N406S.
Identifiers: ClinVar variation 844733 (VCV000844733.10), dbSNP rs937030002, ClinGen allele CA239120599.